The following is an entry in ClinVar:

ClinVar aggregate classification (germline): Uncertain significance. Review status: criteria provided, multiple submitters, no conflicts (2 of 4 stars). 3 submissions from 3 submitters: Uncertain significance (3). Last evaluated 2025-07-22.

Conditions:
Hereditary cancer-predisposing syndrome. Also called: Neoplastic Syndromes, Hereditary; Hereditary Cancer Syndrome; Tumor predisposition; Hereditary neoplastic syndrome. Identifiers: Orphanet 140162, MedGen C0027672, MeSH D009386, MONDO:0015356.
Ataxia-telangiectasia syndrome (AT). Also called: Ataxia-telangiectasia, complementation group D; AT, COMPLEMENTATION GROUP C; Ataxia-telangiectasia; ATAXIA-TELANGIECTASIA, COMPLEMENTATION GROUP A; ATAXIA-TELANGIECTASIA, FRESNO VARIANT; Ataxia-telangiectasia, complementation group E. Identifiers: Orphanet 100, MedGen C0004135, MONDO:0008840, OMIM 208900.

Allele frequency attached by ClinVar (database versions not stated): gnomAD 0.00001; gnomAD exomes 0.00001 and 0.00002; ExAC 0.00004; TOPMed 0.00002.
gnomAD v4.1: 17 of 1,614,070 alleles (0.0011%); highest among the groups gnomAD compares: South Asian, 0.0022%; no homozygotes.

Submissions (3):

Labcorp Genetics (formerly Invitae), Labcorp
Classification: Uncertain significance for Ataxia-telangiectasia syndrome. Last evaluated: 2025-07-22. Review status: criteria provided, single submitter. Criteria: Invitae Variant Classification Sherloc (09022015). Collection method: clinical testing. Allele origin: germline.
Comment: This sequence change replaces valine, which is neutral and non-polar, with leucine, which is neutral and non-polar, at codon 3032 of the ATM protein (p.Val3032Leu). This variant is present in population databases (rs587779877, gnomAD 0.01%). This variant has not been reported in the literature in individuals affected with ATM-related conditions. ClinVar contains an entry for this variant (Variation ID: 127469). Invitae Evidence Modeling of protein sequence and biophysical properties (such as structural, functional, and spatial information, amino acid conservation, physicochemical variation, residue mobility, and thermodynamic stability) indicates that this missense variant is expected to disrupt ATM protein function with a positive predictive value of 95%. In summary, the available evidence is currently insufficient to determine the role of this variant in disease. Therefore, it has been classified as a Variant of Uncertain Significance.

Ambry Genetics
Classification: Uncertain significance for Hereditary cancer-predisposing syndrome. Last evaluated: 2025-03-25. Review status: criteria provided, single submitter. Criteria: Ambry Variant Classification Scheme 2023. Collection method: clinical testing. Allele origin: germline.
Comment: The p.V3032L variant (also known as c.9094G>C), located in coding exon 62 of the ATM gene, results from a G to C substitution at nucleotide position 9094. The valine at codon 3032 is replaced by leucine, an amino acid with highly similar properties. This alteration was identified in 2/1769 individuals diagnosed with breast cancer and 1/1112 control individuals (Nurmi AK et al. Cancers (Basel), 2022 Dec;14:). This amino acid position is highly conserved in available vertebrate species. In addition, this alteration is predicted to be deleterious by in silico analysis. Based on the available evidence, the clinical significance of this variant remains unclear.

GeneDx
Classification: Uncertain significance. Last evaluated: 2018-02-21. Review status: criteria provided, single submitter. Criteria: GeneDx Variant Classification (06012015). Collection method: clinical testing. Allele origin: germline. Affected: yes.
Comment: This variant is denoted ATM c.9094G>C at the cDNA level, p.Val3032Leu (V3032L) at the protein level, and results in the change of a Valine to a Leucine (GTG>CTG). This variant has not, to our knowledge, been published in the literature as pathogenic or benign. ATM Val3032Leu was not observed at a significant allele frequency in large population cohorts (Lek 2016). This variant is located in the FATC domain (Stracker 2013). In silico analysis, which includes protein predictors and evolutionary conservation, supports a deleterious effect. Based on currently available evidence, it is unclear whether ATM Val3032Leu is a pathogenic or benign variant. We consider it to be a variant of uncertain significance.

Literature cited by the submitters: PubMed 36551643 (cited by Ambry Genetics).

NM_000051.4(ATM):c.9094G>C (p.Val3032Leu)

Genes: ATM (ATM serine/threonine kinase; plus strand), C11orf65 (chromosome 11 open reading frame 65; minus strand). Cytogenetic location: 11q22.3.
Variant type: single nucleotide variant.
Coding change: c.9094G>C on transcript NM_000051.4 (MANE Select); coding-DNA position 9094, G replaced by C.
Protein change: p.Val3032Leu; replaces valine 3032 with leucine.
Molecular consequence: missense variant. On other transcripts: intron variant (2).
Genome position (GRCh38, 1-based): chr11:108,365,431, G>C. VCF-style: chr11-108365431-G-C. GRCh37 (hg19) VCF-style: chr11-108236158-G-C.
Other names: p.V3032L:GTG>CTG; c.9094G>C, p.Val3032Leu (NM_001351834.2); c.640+20489C>G (NM_001330368.2); c.694+20489C>G (NM_001351110.2); short protein forms V3032L.
Identifiers: ClinVar variation 127469 (VCV000127469.19), dbSNP rs587779877, ClinGen allele CA287045.